The following is an entry in ClinVar:

ClinVar aggregate classification (germline): Benign. Review status: criteria provided, multiple submitters, no conflicts (2 of 4 stars). 19 submissions from 15 submitters: Benign (14). 5 of the submissions do not count toward it. Last evaluated 2026-02-04.

Conditions:
Nephronophthisis. Also called: Juvenile Nephronophthisis. Identifiers: Orphanet 655, MedGen C0687120, MONDO:0019005, HP:0000090.
Nephronophthisis 1 (NPHP1). Also called: Nephronophthisis familial juvenile. Identifiers: Orphanet 655, Orphanet 93592, MedGen C1855681, MONDO:0009728, OMIM 256100.
Senior-Loken syndrome 1 (SLSN1). Also called: JUVENILE NEPHRONOPHTHISIS WITH LEBER AMAUROSIS. Identifiers: Orphanet 3156, MedGen C4551559, MONDO:0009962, OMIM 266900.
Joubert syndrome with renal defect. Also called: JOUBERT SYNDROME 4. Identifiers: Orphanet 220497, MedGen C1846790, MONDO:0012308, OMIM 609583.

Allele frequency attached by ClinVar (database versions not stated): gnomAD exomes 0.34633 and 0.37473; ESP Exome Variant Server 0.37883; ExAC 0.37931; gnomAD 0.38033 and 0.38593; TOPMed 0.39870; 1000 Genomes Project 30x 0.47220; 1000 Genomes Project 0.47444.

Submissions (19):

Labcorp Genetics (formerly Invitae), Labcorp
Classification: Benign for Nephronophthisis. Last evaluated: 2026-02-04. Review status: criteria provided, single submitter. Criteria: Invitae Variant Classification Sherloc (09022015). Collection method: clinical testing. Allele origin: germline.

Women's Health and Genetics/Laboratory Corporation of America, LabCorp
Classification: Benign. Last evaluated: 2025-11-04. Review status: criteria provided, single submitter. Criteria: LabCorp Variant Classification Summary - May 2015. Collection method: clinical testing. Allele origin: germline.

Blueprint Genetics
Classification: Benign. Last evaluated: 2024-11-26. Review status: criteria provided, single submitter. Criteria: ACMG Guidelines, 2015. Collection method: clinical testing. Allele origin: germline.

Mayo Clinic Laboratories, Mayo Clinic
Classification: Benign. Last evaluated: 2022-05-05. Review status: criteria provided, single submitter. Criteria: ACMG Guidelines, 2015. Collection method: clinical testing. Allele origin: germline. Observed: 418 variant alleles.

Genome-Nilou Lab
Classification: Benign for Joubert syndrome with renal defect. Last evaluated: 2021-09-05. Review status: criteria provided, single submitter. Criteria: ACMG Guidelines, 2015. Collection method: clinical testing. Allele origin: germline. Affected: no.

Genome-Nilou Lab
Classification: Benign for Nephronophthisis 1. Last evaluated: 2021-09-05. Review status: criteria provided, single submitter. Criteria: ACMG Guidelines, 2015. Collection method: clinical testing. Allele origin: germline. Affected: no.

Genome-Nilou Lab
Classification: Benign for Senior-Loken syndrome 1. Last evaluated: 2021-09-05. Review status: criteria provided, single submitter. Criteria: ACMG Guidelines, 2015. Collection method: clinical testing. Allele origin: germline. Affected: no.

Illumina Laboratory Services, Illumina
Classification: Benign for Senior-Loken syndrome 1. Last evaluated: 2018-01-12. Review status: criteria provided, single submitter. Criteria: ICSL Variant Classification Criteria 13 December 2019. Collection method: clinical testing. Allele origin: germline.
Comment: This variant was observed in the ICSL laboratory as part of a predisposition screen in an ostensibly healthy population. It had not been previously curated by ICSL or reported in the Human Gene Mutation Database (HGMD: prior to June 1st, 2018), and was therefore a candidate for classification through an automated scoring system. Utilizing variant allele frequency, disease prevalence and penetrance estimates, and inheritance mode, an automated score was calculated to assess if this variant is too frequent to cause the disease. Based on the score and internal cut-off values, a variant classified as benign is not then subjected to further curation. The score for this variant resulted in a classification of benign for this disease.

Illumina Laboratory Services, Illumina
Classification: Benign for Nephronophthisis 1. Last evaluated: 2018-01-12. Review status: criteria provided, single submitter. Criteria: ICSL Variant Classification Criteria 13 December 2019. Collection method: clinical testing. Allele origin: germline.
Comment: the same text as in the submission from Illumina Laboratory Services, Illumina above.

Illumina Laboratory Services, Illumina
Classification: Benign for Joubert syndrome with renal defect. Last evaluated: 2018-01-12. Review status: criteria provided, single submitter. Criteria: ICSL Variant Classification Criteria 13 December 2019. Collection method: clinical testing. Allele origin: germline.
Comment: the same text as in the submission from Illumina Laboratory Services, Illumina above.

Eurofins Ntd Llc (ga)
Classification: Benign. Last evaluated: 2016-03-23. Review status: criteria provided, single submitter. Criteria: EGL Classification Definitions 2015. Collection method: clinical testing. Allele origin: germline. Observed: 36 variant alleles, 19 heterozygotes, 17 homozygotes.

GeneDx
Classification: Benign. Last evaluated: 2016-01-08. Review status: criteria provided, single submitter. Criteria: GeneDx Variant Classification (06012015). Collection method: clinical testing. Allele origin: germline. Affected: yes.
Comment: This variant is considered likely benign or benign based on one or more of the following criteria: it is a conservative change, it occurs at a poorly conserved position in the protein, it is predicted to be benign by multiple in silico algorithms, and/or has population frequency not consistent with disease.

Breakthrough Genomics
Classification: Benign. Review status: criteria provided, single submitter. Criteria: ACMG Guidelines, 2015. Collection method: not provided. Allele origin: germline. Inheritance: Autosomal recessive inheritance. Affected: yes.

PreventionGenetics, part of Exact Sciences
Classification: Benign. Review status: criteria provided, single submitter. Criteria: ACMG Guidelines, 2015. Collection method: clinical testing. Allele origin: germline.

Clinical Genetics DNA and cytogenetics Diagnostics Lab, Erasmus MC, Erasmus Medical Center
Classification: Benign. Review status: no assertion criteria provided. Collection method: clinical testing. Allele origin: germline. Affected: yes. Study: VKGL Data-share Consensus. Not counted in ClinVar's aggregate classification.

Diagnostic Laboratory, Department of Genetics, University Medical Center Groningen
Classification: Benign. Review status: no assertion criteria provided. Collection method: clinical testing. Allele origin: germline. Affected: yes. Study: VKGL Data-share Consensus. Not counted in ClinVar's aggregate classification.

Genetic Services Laboratory, University of Chicago
Classification: Likely benign for AllHighlyPenetrant. Review status: no assertion criteria provided. Collection method: clinical testing. Allele origin: germline. Inheritance: Autosomal recessive inheritance. Not counted in ClinVar's aggregate classification.
Comment: Likely benign based on allele frequency in 1000 Genomes Project or ESP global frequency and its presence in a patient with a rare or unrelated disease phenotype. NOT Sanger confirmed.

Genome Diagnostics Laboratory, University Medical Center Utrecht
Classification: Benign. Review status: no assertion criteria provided. Collection method: clinical testing. Allele origin: germline. Affected: yes. Study: VKGL Data-share Consensus. Not counted in ClinVar's aggregate classification.

Joint Genome Diagnostic Labs from Nijmegen and Maastricht, Radboudumc and MUMC+
Classification: Benign. Review status: no assertion criteria provided. Collection method: clinical testing. Allele origin: germline. Affected: yes. Study: VKGL Data-share Consensus. Not counted in ClinVar's aggregate classification.

NM_001128178.3(NPHP1):c.654G>A (p.Glu218=)

Gene: NPHP1 (nephrocystin 1; minus strand). Cytogenetic location: 2q13.
Variant type: single nucleotide variant.
Coding change: c.654G>A on transcript NM_001128178.3 (MANE Select); coding-DNA position 654, G replaced by A.
Protein change: p.Glu218=; no amino-acid change (glutamic acid 218 retained).
Molecular consequence: synonymous variant.
Genome position (GRCh38, 1-based): chr2:110,165,126, C>T on the plus strand (G>A on the coding strand, the complement: NPHP1 is on the minus strand). VCF-style: chr2-110165126-C-T. GRCh37 (hg19) VCF-style: chr2-110922703-C-T.
Other names: p.Glu218=; c.654G>A (NM_000272.4); c.654G>A, p.Glu218= (NM_000272.5, NM_001374256.1, NM_001374257.1 and 1 more transcripts); c.468G>A, p.Glu156= (NM_001128179.3).
Identifiers: ClinVar variation 92719 (VCV000092719.36), dbSNP rs11675767, ClinGen allele CA145975.
Genomic context (GRCh38, chr2:110,165,126, plus strand): 5'-TGCTCCATCTGCTGTTTCATCCACCGCCTCTACATCTTCTTCACTGCCCTCTTCACTTGA[C>T]TCTTGGCCTTCTTCTTCTTCACTATAAGGCTAAAAAACCATTGAAATGTGAAGTGCTTTT-3'
Protein context (NP_001121650.1, residues 208-228): EPYSEEEEGQ[Glu218=]SSEEGSEEDV